The following is an entry in ClinVar:

NM_001082538.3(TCTN1):c.1739A>G (p.Asn580Ser)

Gene: TCTN1 (tectonic family member 1; plus strand). Cytogenetic location: 12q24.11.
Variant type: single nucleotide variant.
Coding change: c.1739A>G on transcript NM_001082538.3 (MANE Select); coding-DNA position 1739, A replaced by G.
Protein change: p.Asn580Ser; replaces asparagine 580 with serine.
Molecular consequence: missense variant. On other transcripts: non-coding transcript variant (1).
Genome position (GRCh38, 1-based): chr12:110,647,852, A>G. VCF-style: chr12-110647852-A-G. GRCh37 (hg19) VCF-style: chr12-111085657-A-G.
Other names: c.1724A>G, p.Asn575Ser (NM_001082537.3); c.1556A>G, p.Asn519Ser (NM_001173975.3); c.1412A>G, p.Asn471Ser (NM_001173976.2); c.1577A>G, p.Asn526Ser (NM_001319680.2); c.1190A>G, p.Asn397Ser (NM_001319681.2); c.1682A>G, p.Asn561Ser (NM_024549.6); short protein forms N519S, N561S, N580S, N526S, N397S, N471S, N575S.
Identifiers: ClinVar variation 1418587 (VCV001418587.8), dbSNP rs757300709, ClinGen allele CA6786989.

ClinVar aggregate classification (germline): Uncertain significance (1 of 4 stars; one submission).

Conditions:
Joubert syndrome. Also called: CEREBELLOPARENCHYMAL DISORDER IV; JOUBERT-BOLTSHAUSER SYNDROME; Familial aplasia of the vermis. Identifiers: Orphanet 475, MedGen C5979921, MONDO:0018772.
Meckel-Gruber syndrome. Also called: DYSENCEPHALIA SPLANCHNOCYSTICA; GRUBER SYNDROME; Dysencephalia splachnocystica. Identifiers: Orphanet 564, MedGen C0265215, MONDO:0018921.

Allele frequency attached by ClinVar (database versions not stated): gnomAD 0.00001; gnomAD exomes 0.00002 and 0.00005; ExAC 0.00003.
gnomAD v4.1: 28 of 1,614,062 alleles (0.0017%); highest among the groups gnomAD compares: South Asian, 0.027%; no homozygotes.

Submission:

Labcorp Genetics (formerly Invitae), Labcorp
Classification: Uncertain significance for Joubert syndrome; Meckel-Gruber syndrome. Last evaluated: 2021-04-02. Review status: criteria provided, single submitter. Criteria: Invitae Variant Classification Sherloc (09022015). Collection method: clinical testing. Allele origin: germline.
Comment: This variant has not been reported in the literature in individuals with TCTN1-related conditions. This sequence change replaces asparagine with serine at codon 580 of the TCTN1 protein (p.Asn580Ser). The asparagine residue is highly conserved and there is a small physicochemical difference between asparagine and serine. This variant is present in population databases (rs757300709, ExAC 0.02%). Algorithms developed to predict the effect of missense changes on protein structure and function are either unavailable or do not agree on the potential impact of this missense change (SIFT: "Deleterious"; PolyPhen-2: "Possibly Damaging"; Align-GVGD: "Class C15"). In summary, the available evidence is currently insufficient to determine the role of this variant in disease. Therefore, it has been classified as a Variant of Uncertain Significance.